The following is an entry in ClinVar:

NM_018127.7(ELAC2):c.1275C>A (p.Tyr425Ter)

Gene: ELAC2 (elaC ribonuclease Z 2; minus strand). Cytogenetic location: 17p12.
Variant type: single nucleotide variant.
Coding change: c.1275C>A on transcript NM_018127.7 (MANE Select); coding-DNA position 1275, C replaced by A.
Protein change: p.Tyr425Ter; replaces tyrosine 425 with a stop codon.
Molecular consequence: nonsense.
Genome position (GRCh38, 1-based): chr17:13,002,303, G>T on the plus strand (C>A on the coding strand, the complement: ELAC2 is on the minus strand). VCF-style: chr17-13002303-G-T. GRCh37 (hg19) VCF-style: chr17-12905620-G-T.
Other names: c.1155C>A, p.Tyr385Ter (NM_001165962.2); c.1272C>A, p.Tyr424Ter (NM_173717.2); short protein forms Y425*, Y424*, Y385*.
Identifiers: ClinVar variation 488981 (VCV000488981.7), dbSNP rs1308121771, ClinGen allele CA398225156.
Genomic context (GRCh38, chr17:13,002,303, plus strand): 5'-GACGATTCCATTAGTTCAAGATGGCACAGACCTCTGCCACTCCCTCCTGGGACGGAGCTG[G>T]TACTTGAGGAGGCATTCACCCTGAACCATGGGCACACTGAGGGTGGGGCCCTCCTTCTGA-3'

ClinVar aggregate classification (germline): Pathogenic/Likely pathogenic. Review status: criteria provided, multiple submitters, no conflicts (2 of 4 stars). 2 submissions from 2 submitters: Pathogenic (1); Likely pathogenic (1). Last evaluated 2025-09-27.

Conditions:
Combined oxidative phosphorylation defect type 17. Also called: Combined oxidative phosphorylation deficiency 17. Identifiers: Orphanet 369913, MedGen C3809526, MONDO:0014190, OMIM 615440.

Allele frequency attached by ClinVar (database versions not stated): gnomAD exomes below 0.00001; gnomAD 0.00001; TOPMed 0.00001.
gnomAD v4.1: 5 of 1,614,052 alleles (0.00031%); highest among the groups gnomAD compares: Non-Finnish European, 0.00042%; no homozygotes.

Submissions (2):

Labcorp Genetics (formerly Invitae), Labcorp
Classification: Pathogenic for Combined oxidative phosphorylation defect type 17. Last evaluated: 2025-09-27. Review status: criteria provided, single submitter. Criteria: Invitae Variant Classification Sherloc (09022015). Collection method: clinical testing. Allele origin: germline.
Comment: This sequence change creates a premature translational stop signal (p.Tyr425*) in the ELAC2 gene. It is expected to result in an absent or disrupted protein product. Loss-of-function variants in ELAC2 are known to be pathogenic (PMID: 27769300, 31045291). This variant is not present in population databases (gnomAD no frequency). This variant has not been reported in the literature in individuals affected with ELAC2-related conditions. ClinVar contains an entry for this variant (Variation ID: 488981). Algorithms developed to predict the effect of sequence changes on RNA splicing suggest that this variant may disrupt the consensus splice site. For these reasons, this variant has been classified as Pathogenic.

GeneDx
Classification: Likely pathogenic. Last evaluated: 2017-05-16. Review status: criteria provided, single submitter. Criteria: GeneDx Variant Classification (06012015). Collection method: clinical testing. Allele origin: germline. Affected: yes.
Comment: The Y425X nonsense variant has not been published as a pathogenic variant, nor has it been reported as a benign variant to our knowledge. The Y425X variant is not observed in large population cohorts (Lek et al., 2016; 1000 Genomes Consortium et al., 2015; Exome Variant Server). The Y425X variant is predicted to cause loss of normal protein function either through protein truncation or nonsense-mediated mRNA decay. In summary, Y425X is interpreted to be a likely pathogenic variant.

Literature cited by the submitters: PubMed 27769300 (cited by Labcorp Genetics (formerly Invitae), Labcorp); PubMed 31045291 (cited by Labcorp Genetics (formerly Invitae), Labcorp).